The following is an entry in ClinVar:

NM_002292.4(LAMB2):c.5100+6T>C

Gene: LAMB2 (laminin subunit beta 2; minus strand). Cytogenetic location: 3p21.31.
Variant type: single nucleotide variant.
Coding change: c.5100+6T>C on transcript NM_002292.4 (MANE Select); 6 bases into the intron after coding-DNA position 5100, T replaced by C.
Molecular consequence: intron variant.
Genome position (GRCh38, 1-based): chr3:49,121,678, A>G on the plus strand (T>C on the coding strand, the complement: LAMB2 is on the minus strand). VCF-style: chr3-49121678-A-G. GRCh37 (hg19) VCF-style: chr3-49159111-A-G.
Identifiers: ClinVar variation 2926809 (VCV002926809.3), dbSNP rs754053085, ClinGen allele CA2393613.

ClinVar aggregate classification (germline): Uncertain significance (1 of 4 stars; one submission).

Conditions:
LAMB2-related infantile-onset nephrotic syndrome. Also called: NEPHROTIC SYNDROME, TYPE 5, WITHOUT OCULAR ABNORMALITIES; NEPHROTIC SYNDROME, TYPE 5, WITH OCULAR ABNORMALITIES; Nephrotic Syndrome, type 5. Identifiers: Orphanet 306507, MedGen C3280113, MONDO:0013621, OMIM 614199.
Pierson syndrome. Also called: MICROCORIA-CONGENITAL NEPHROTIC SYNDROME. Identifiers: Orphanet 2670, MedGen C1836876, MONDO:0012184, OMIM 609049.

Allele frequency attached by ClinVar (database versions not stated): ExAC 0.00001; gnomAD 0.00001; gnomAD exomes 0.00002; TOPMed 0.00002.
gnomAD v4.1: 26 of 1,613,786 alleles (0.0016%); highest among the groups gnomAD compares: Non-Finnish European, 0.002%; no homozygotes.

Submission:

Labcorp Genetics (formerly Invitae), Labcorp
Classification: Uncertain significance for LAMB2-related infantile-onset nephrotic syndrome; Pierson syndrome. Last evaluated: 2023-06-11. Review status: criteria provided, single submitter. Criteria: Invitae Variant Classification Sherloc (09022015). Collection method: clinical testing. Allele origin: germline.
Comment: This variant has not been reported in the literature in individuals affected with LAMB2-related conditions. This sequence change falls in intron 30 of the LAMB2 gene. It does not directly change the encoded amino acid sequence of the LAMB2 protein. It affects a nucleotide within the consensus splice site. This variant is present in population databases (rs754053085, gnomAD 0.003%). Variants that disrupt the consensus splice site are a relatively common cause of aberrant splicing (PMID: 17576681, 9536098). Algorithms developed to predict the effect of sequence changes on RNA splicing suggest that this variant may disrupt the consensus splice site. In summary, the available evidence is currently insufficient to determine the role of this variant in disease. Therefore, it has been classified as a Variant of Uncertain Significance.

Literature cited by the submitters: PubMed 17576681; PubMed 9536098.